The following is an entry in ClinVar:

ClinVar aggregate classification (germline): Uncertain significance (1 of 4 stars; one submission).

Conditions:
Familial cancer of breast. Also called: Hereditary breast cancer; BREAST CANCER, FAMILIAL; hereditary breast carcinoma. Identifiers: Orphanet 227535, MedGen C0346153, MONDO:0016419, OMIM 114480. Disease mechanism: loss of function.

Submission:

Labcorp Genetics (formerly Invitae), Labcorp
Classification: Uncertain significance for Familial cancer of breast. Last evaluated: 2024-05-16. Review status: criteria provided, single submitter. Criteria: Invitae Variant Classification Sherloc (09022015). Collection method: clinical testing. Allele origin: germline.
Comment: This sequence change replaces glutamine, which is neutral and polar, with arginine, which is basic and polar, at codon 514 of the CHEK2 protein (p.Gln514Arg). This variant is not present in population databases (gnomAD no frequency). This variant has not been reported in the literature in individuals affected with CHEK2-related conditions. An algorithm developed to predict the effect of missense changes on protein structure and function (PolyPhen-2) suggests that this variant is likely to be tolerated. Algorithms developed to predict the effect of sequence changes on RNA splicing suggest that this variant may disrupt the consensus splice site. In summary, the available evidence is currently insufficient to determine the role of this variant in disease. Therefore, it has been classified as a Variant of Uncertain Significance.

NM_007194.4(CHEK2):c.1541A>G (p.Gln514Arg)

Gene: CHEK2 (checkpoint kinase 2; minus strand). Cytogenetic location: 22q12.1.
Variant type: single nucleotide variant.
Coding change: c.1541A>G on transcript NM_007194.4 (MANE Select); coding-DNA position 1541, A replaced by G.
Protein change: p.Gln514Arg; replaces glutamine 514 with arginine.
Molecular consequence: missense variant.
Genome position (GRCh38, 1-based): chr22:28,689,136, T>C on the plus strand (A>G on the coding strand, the complement: CHEK2 is on the minus strand). VCF-style: chr22-28689136-T-C. GRCh37 (hg19) VCF-style: chr22-29085124-T-C.
Other names: c.1670A>G, p.Gln557Arg (NM_001005735.3); c.878A>G, p.Gln293Arg (NM_001257387.3); c.1340A>G, p.Gln447Arg (NM_001349956.3); c.1454A>G, p.Gln485Arg (NM_145862.3); short protein forms Q293R, Q514R, Q485R, Q447R, Q557R.
Identifiers: ClinVar variation 3711438 (VCV003711438.2).